The following is an entry in ClinVar:

ClinVar aggregate classification (germline): Uncertain significance (1 of 4 stars; one submission).

Conditions:
Familial thoracic aortic aneurysm and aortic dissection (TAAD). Also called: Thoracic aortic aneurysms and dissections. Identifiers: Orphanet 91387, MedGen C4707243, MONDO:0019625.

Submission:

Ambry Genetics
Classification: Uncertain significance for Familial thoracic aortic aneurysm and aortic dissection. Last evaluated: 2018-07-30. Review status: criteria provided, single submitter. Criteria: Ambry Variant Classification Scheme 2023. Collection method: clinical testing. Allele origin: germline.
Comment: The p.S375N variant (also known as c.1124G>A), located in coding exon 8 of the SMAD3 gene, results from a G to A substitution at nucleotide position 1124. The serine at codon 375 is replaced by asparagine, an amino acid with highly similar properties. This amino acid position is highly conserved in available vertebrate species. In addition, this alteration is predicted to be deleterious by in silico analysis. Since supporting evidence is limited at this time, the clinical significance of this alteration remains unclear.

NM_005902.4(SMAD3):c.1124G>A (p.Ser375Asn)

Gene: SMAD3 (SMAD family member 3; plus strand). Cytogenetic location: 15q22.33.
Variant type: single nucleotide variant.
Coding change: c.1124G>A on transcript NM_005902.4 (MANE Select); coding-DNA position 1124, G replaced by A.
Protein change: p.Ser375Asn; replaces serine 375 with asparagine.
Molecular consequence: missense variant.
Genome position (GRCh38, 1-based): chr15:67,187,479, G>A. VCF-style: chr15-67187479-G-A. GRCh37 (hg19) VCF-style: chr15-67479817-G-A.
Other names: c.809G>A, p.Ser270Asn (NM_001145102.2); c.992G>A, p.Ser331Asn (NM_001145103.2); c.539G>A, p.Ser180Asn (NM_001145104.2); short protein forms S375N, S270N, S180N, S331N.
Identifiers: ClinVar variation 520180 (VCV000520180.5), dbSNP rs1232656160, ClinGen allele CA392958304.
Genomic context (GRCh38, chr15:67,187,479, plus strand): 5'-CGGTCAACCAGGGCTTTGAGGCTGTCTACCAGTTGACCCGAATGTGCACCATCCGCATGA[G>A]CTTCGTCAAAGGCTGGGGAGCGGAGTACAGGTCAGTTATGGGTGCTGCCTACATCAGGGG-3'
Protein context (NP_005893.1, residues 365-385): QLTRMCTIRM[Ser375Asn]FVKGWGAEYR